The following is an entry in ClinVar:

ClinVar aggregate classification (germline): Uncertain significance (1 of 4 stars; one submission).

Allele frequency attached by ClinVar (database versions not stated): gnomAD exomes 0.00001; ExAC 0.00002.

Submission:

Labcorp Genetics (formerly Invitae), Labcorp
Classification: Uncertain significance. Last evaluated: 2022-10-13. Review status: criteria provided, single submitter. Criteria: Invitae Variant Classification Sherloc (09022015). Collection method: clinical testing. Allele origin: germline.
Comment: This sequence change replaces asparagine, which is neutral and polar, with aspartic acid, which is acidic and polar, at codon 545 of the KANK1 protein (p.Asn545Asp). This variant is present in population databases (rs769361163, gnomAD 0.003%). This variant has not been reported in the literature in individuals affected with KANK1-related conditions. ClinVar contains an entry for this variant (Variation ID: 1372501). Advanced modeling of protein sequence and biophysical properties (such as structural, functional, and spatial information, amino acid conservation, physicochemical variation, residue mobility, and thermodynamic stability) performed at Invitae indicates that this missense variant is not expected to disrupt KANK1 protein function. In summary, the available evidence is currently insufficient to determine the role of this variant in disease. Therefore, it has been classified as a Variant of Uncertain Significance.

NM_015158.5(KANK1):c.1633A>G (p.Asn545Asp)

Gene: KANK1 (KN motif and ankyrin repeat domains 1; plus strand). Cytogenetic location: 9p24.3.
Variant type: single nucleotide variant.
Coding change: c.1633A>G on transcript NM_015158.5 (MANE Select); coding-DNA position 1633, A replaced by G.
Protein change: p.Asn545Asp; replaces asparagine 545 with aspartic acid.
Molecular consequence: missense variant. On other transcripts: non-coding transcript variant (1).
Genome position (GRCh38, 1-based): chr9:712,399, A>G. VCF-style: chr9-712399-A-G. GRCh37 (hg19) VCF-style: chr9-712399-A-G.
Other names: c.1633A>G, p.Asn545Asp (NM_001256876.3, NM_001256877.3, NM_001354331.2 and 2 more transcripts); c.1159A>G, p.Asn387Asp (NM_001354333.2, NM_001354335.2, NM_001354336.2 and 9 more transcripts); short protein forms N545D, N387D.
Identifiers: ClinVar variation 1372501 (VCV001372501.6), dbSNP rs769361163, ClinGen allele CA4960272.